The following is an entry in ClinVar:

NM_001377.3(DYNC2H1):c.5876T>A (p.Ile1959Asn)

Gene: DYNC2H1 (dynein cytoplasmic 2 heavy chain 1; plus strand). Cytogenetic location: 11q22.3.
Variant type: single nucleotide variant.
Coding change: c.5876T>A on transcript NM_001377.3 (MANE Select); coding-DNA position 5876, T replaced by A.
Protein change: p.Ile1959Asn; replaces isoleucine 1959 with asparagine.
Molecular consequence: missense variant.
Genome position (GRCh38, 1-based): chr11:103,177,557, T>A. VCF-style: chr11-103177557-T-A. GRCh37 (hg19) VCF-style: chr11-103048286-T-A.
Other names: c.5876T>A, p.Ile1959Asn (NM_001080463.2); short protein forms I1959N.
Identifiers: ClinVar variation 446582 (VCV000446582.6), dbSNP rs756556129, ClinGen allele CA6253859.

ClinVar aggregate classification (germline): Conflicting classifications of pathogenicity. Review status: criteria provided, conflicting classifications (1 of 4 stars). 5 submissions from 5 submitters: Likely pathogenic (2); Uncertain significance (1). 2 of the submissions do not count toward it. Last evaluated 2024-06-11.

Conditions:
Asphyxiating thoracic dystrophy 3. Also called: Short rib polydactyly syndrome 2B; POLYDACTYLY WITH NEONATAL CHONDRODYSTROPHY, TYPE I; SHORT-RIB THORACIC DYSPLASIA 3/6 WITH POLYDACTYLY, DIGENIC; Saldino-Noonan Syndrome; SHORT-RIB THORACIC DYSPLASIA 3 WITH OR WITHOUT POLYDACTYLY. Identifiers: Orphanet 474, Orphanet 93269, Orphanet 93270, Orphanet 93271, MedGen C0036069, MONDO:0013127, OMIM 613091.

Allele frequency attached by ClinVar (database versions not stated): gnomAD exomes 0.00001; ExAC 0.00002.
gnomAD v4.1: 3 of 1,600,606 alleles (0.00019%); highest among the groups gnomAD compares: East Asian, 0.0067%; no homozygotes.

Submissions (5):

Fulgent Genetics
Classification: Likely pathogenic for Asphyxiating thoracic dystrophy 3. Last evaluated: 2024-06-11. Review status: criteria provided, single submitter. Criteria: ACMG Guidelines, 2015. Collection method: clinical testing. Allele origin: germline.

Women's Health and Genetics/Laboratory Corporation of America, LabCorp
Classification: Uncertain significance. Last evaluated: 2024-06-11. Review status: criteria provided, single submitter. Criteria: LabCorp Variant Classification Summary - May 2015. Collection method: clinical testing. Allele origin: germline.
Comment: Variant summary: DYNC2H1 c.5876T>A (p.Ile1959Asn) results in a non-conservative amino acid change located in the Dynein heavy chain, hydrolytic ATP-binding dynein motor region (IPR035699) of the encoded protein sequence. Four of five in-silico tools predict a damaging effect of the variant on protein function. Consensus agreement among computation tools predict no significant impact on normal splicing. However, these predictions have yet to be confirmed by functional studies. The variant allele was found at a frequency of 8.5e-06 in 236436 control chromosomes. c.5876T>A has been reported in the literature in compound heterozygous individuals affected with Short-rib thoracic dysplasia (Zhang_2018). These data indicate that the variant may be associated with disease. To our knowledge, no experimental evidence demonstrating an impact on protein function has been reported. The following publication has been ascertained in the context of this evaluation (PMID: 29068549). ClinVar contains an entry for this variant (Variation ID: 446582). Based on the evidence outlined above, the variant was classified as VUS-possibly pathogenic.

GeneDx
Classification: Likely pathogenic. Last evaluated: 2023-12-06. Review status: criteria provided, single submitter. Criteria: GeneDx Variant Classification Process June 2021. Collection method: clinical testing. Allele origin: germline. Affected: yes.
Comment: Not observed at significant frequency in large population cohorts (gnomAD); In silico analysis supports that this missense variant has a deleterious effect on protein structure/function; This variant is associated with the following publications: (PMID: 29068549)

Dan Cohn Lab, University Of California Los Angeles
Classification: Pathogenic for Asphyxiating thoracic dystrophy 3. Last evaluated: 2017-06-01. Review status: no assertion criteria provided. Collection method: research. Allele origin: maternal, unknown. Affected: yes. Not counted in ClinVar's aggregate classification.

University of Washington Center for Mendelian Genomics, University of Washington
Classification: Likely pathogenic for Asphyxiating thoracic dystrophy 3. Review status: no assertion criteria provided. Collection method: research. Allele origin: inherited. Affected: yes. Not counted in ClinVar's aggregate classification.

Literature cited by the submitters: PubMed 29068549 (cited by 3 submitters).